The following is an entry in ClinVar:

NM_021072.4(HCN1):c.1433A>T (p.Asn478Ile)

Gene: HCN1 (hyperpolarization activated cyclic nucleotide gated potassium channel 1; minus strand). Cytogenetic location: 5p12.
Variant type: single nucleotide variant.
Coding change: c.1433A>T on transcript NM_021072.4 (MANE Select); coding-DNA position 1433, A replaced by T.
Protein change: p.Asn478Ile; replaces asparagine 478 with isoleucine.
Molecular consequence: missense variant.
Genome position (GRCh38, 1-based): chr5:45,303,784, T>A on the plus strand (A>T on the coding strand, the complement: HCN1 is on the minus strand). VCF-style: chr5-45303784-T-A. GRCh37 (hg19) VCF-style: chr5-45303886-T-A.
Other names: short protein forms N478I.
Identifiers: ClinVar variation 4747457 (VCV004747457.1).

ClinVar aggregate classification (germline): Uncertain significance (1 of 4 stars; one submission).

Conditions:
Early-infantile DEE. Also called: Ohtahara syndrome; Early infantile epileptic encephalopathy with suppression bursts; Early infantile epileptic encephalopathy. Identifiers: Orphanet 1934, MedGen C0393706, MONDO:0800491.

Submission:

Labcorp Genetics (formerly Invitae), Labcorp
Classification: Uncertain significance for Early-infantile DEE. Last evaluated: 2025-11-23. Review status: criteria provided, single submitter. Criteria: Invitae Variant Classification Sherloc (09022015). Collection method: clinical testing. Allele origin: germline.
Comment: This sequence change replaces asparagine, which is neutral and polar, with isoleucine, which is neutral and non-polar, at codon 478 of the HCN1 protein (p.Asn478Ile). This variant is not present in population databases (gnomAD no frequency). This variant has not been reported in the literature in individuals affected with HCN1-related conditions. Invitae Evidence Modeling of protein sequence and biophysical properties (such as structural, functional, and spatial information, amino acid conservation, physicochemical variation, residue mobility, and thermodynamic stability) has been performed for this missense variant. However, the output from this modeling did not meet the statistical confidence thresholds required to predict the impact of this variant on HCN1 protein function. In summary, the available evidence is currently insufficient to determine the role of this variant in disease. Therefore, it has been classified as a Variant of Uncertain Significance.